The following is an entry in ClinVar:

ClinVar aggregate classification (germline): Uncertain significance (1 of 4 stars; one submission).

Conditions:
Cardiovascular phenotype. Identifiers: MedGen CN230736.

gnomAD v4.1: 1 of 1,614,178 alleles (0.000062%); highest among the groups gnomAD compares: African/African-American, 0.0013%; no homozygotes.

Submission:

Ambry Genetics
Classification: Uncertain significance for Cardiovascular phenotype. Last evaluated: 2025-06-09. Review status: criteria provided, single submitter. Criteria: Ambry Variant Classification Scheme 2023. Collection method: clinical testing. Allele origin: germline.
Comment: The p.M3923L variant (also known as c.11767A>C), located in coding exon 45 of the ANK2 gene, results from an A to C substitution at nucleotide position 11767. The methionine at codon 3923 is replaced by leucine, an amino acid with highly similar properties. This amino acid position is conserved. In addition, this alteration is predicted to be tolerated by in silico analysis. Based on the available evidence, the clinical significance of this variant remains unclear.

NM_001148.6(ANK2):c.11767A>C (p.Met3923Leu)

Gene: ANK2 (ankyrin 2; plus strand). Cytogenetic location: 4q26.
Variant type: single nucleotide variant.
Coding change: c.11767A>C on transcript NM_001148.6 (MANE Select); coding-DNA position 11767, A replaced by C.
Protein change: p.Met3923Leu; replaces methionine 3923 with leucine.
Molecular consequence: missense variant. On other transcripts: intron variant (9).
Genome position (GRCh38, 1-based): chr4:113,373,357, A>C. VCF-style: chr4-113373357-A-C. GRCh37 (hg19) VCF-style: chr4-114294513-A-C.
Other names: c.5557A>C, p.Met1853Leu (NM_001354241.2, NM_001354240.2); c.5554A>C, p.Met1852Leu (NM_001354242.2); c.5542A>C, p.Met1848Leu (NM_001354243.2, NM_001386143.1); c.5539A>C, p.Met1847Leu (NM_001354244.2); c.5350A>C, p.Met1784Leu (NM_001354245.2, NM_001354262.2); c.5509A>C, p.Met1837Leu (NM_001354246.2); c.5326A>C, p.Met1776Leu (NM_001354249.2, NM_001354266.2, NM_001354267.2); c.5482A>C, p.Met1828Leu (NM_001354252.2); and 50 more; short protein forms M1014L, M1677L, M1786L, M1796L, M1816L, M1829L, M1836L, M1838L.
Identifiers: ClinVar variation 4051413 (VCV004051413.1).